The following is an entry in ClinVar:

NM_017882.3(CLN6):c.542G>A (p.Trp181Ter)

Gene: CLN6 (CLN6 transmembrane ER protein; minus strand). Cytogenetic location: 15q23.
Variant type: single nucleotide variant.
Coding change: c.542G>A on transcript NM_017882.3 (MANE Select); coding-DNA position 542, G replaced by A.
Protein change: p.Trp181Ter; replaces tryptophan 181 with a stop codon.
Molecular consequence: nonsense.
Genome position (GRCh38, 1-based): chr15:68,211,263, C>T on the plus strand (G>A on the coding strand, the complement: CLN6 is on the minus strand). VCF-style: chr15-68211263-C-T. GRCh37 (hg19) VCF-style: chr15-68503601-C-T.
Other names: short protein forms W181*.
Identifiers: ClinVar variation 840152 (VCV000840152.8), dbSNP rs1380684360, ClinGen allele CA392973084.

ClinVar aggregate classification (germline): Pathogenic (1 of 4 stars; one submission).

Conditions:
Neuronal ceroid lipofuscinosis. Also called: Neuronal Ceroid Lipofuscinoses. Identifiers: Orphanet 216, Orphanet 79263, MedGen C0027877, MONDO:0016295. Disease mechanism: loss of function.

Allele frequency attached by ClinVar (database versions not stated): TOPMed below 0.00001.

Submission:

Labcorp Genetics (formerly Invitae), Labcorp
Classification: Pathogenic for Neuronal ceroid lipofuscinosis. Last evaluated: 2019-01-25. Review status: criteria provided, single submitter. Criteria: Invitae Variant Classification Sherloc (09022015). Collection method: clinical testing. Allele origin: germline.
Comment: This sequence change creates a premature translational stop signal (p.Trp181*) in the CLN6 gene. It is expected to result in an absent or disrupted protein product. For these reasons, this variant has been classified as Pathogenic. Loss-of-function variants in CLN6 are known to be pathogenic (PMID: 19135028). Algorithms developed to predict the effect of sequence changes on RNA splicing suggest that this variant may disrupt the consensus splice site, but this prediction has not been confirmed by published transcriptional studies. This variant has not been reported in the literature in individuals with CLN6-related conditions. This variant is not present in population databases (ExAC no frequency).

Literature cited by the submitters: PubMed 19135028.